The following is an entry in ClinVar:

NM_174936.4(PCSK9):c.378G>A (p.Met126Ile)

Gene: PCSK9 (proprotein convertase subtilisin/kexin type 9; plus strand). Cytogenetic location: 1p32.3.
Variant type: single nucleotide variant.
Coding change: c.378G>A on transcript NM_174936.4 (MANE Select); coding-DNA position 378, G replaced by A.
Protein change: p.Met126Ile; replaces methionine 126 with isoleucine.
Molecular consequence: missense variant.
Genome position (GRCh38, 1-based): chr1:55,044,013, G>A. VCF-style: chr1-55044013-G-A. GRCh37 (hg19) VCF-style: chr1-55509686-G-A.
Other names: short protein forms M126I.
Identifiers: ClinVar variation 876393 (VCV000876393.6), dbSNP rs749928920, ClinGen allele CA041629.

ClinVar aggregate classification (germline): Uncertain significance. Review status: criteria provided, multiple submitters, no conflicts (2 of 4 stars). 4 submissions from 3 submitters: Uncertain significance (4). Last evaluated 2024-10-29.

Conditions:
Cardiovascular phenotype. Identifiers: MedGen CN230736.
Familial hypercholesterolemia. Also called: Familial hypercholesterolemias; Familial hypercholesterolaemia. Identifiers: MedGen C0020445, MONDO:0005439.
Hypobetalipoproteinemia. Identifiers: Orphanet 31154, MedGen C0020597, MONDO:0017774.
Hypercholesterolemia, autosomal dominant, 3 (FHCL3). Also called: PCSK9-Related Familial Hypercholesterolemia, Autosomal Dominant; Familial Hypercholesterolemia, Autosomal Dominant, 3; Familial hypercholesterolemia 3. Identifiers: MedGen C1863551, MONDO:0011369, OMIM 603776.

Allele frequency attached by ClinVar (database versions not stated): gnomAD exomes below 0.00001 and 0.00001; ExAC 0.00001; gnomAD 0.00001; TOPMed 0.00002.

Submissions (4):

Ambry Genetics
Classification: Uncertain significance for Cardiovascular phenotype. Last evaluated: 2024-10-29. Review status: criteria provided, single submitter. Criteria: Ambry Variant Classification Scheme 2023. Collection method: clinical testing. Allele origin: germline.
Comment: The p.M126I variant (also known as c.378G>A), located in coding exon 2 of the PCSK9 gene, results from a G to A substitution at nucleotide position 378. The methionine at codon 126 is replaced by isoleucine, an amino acid with highly similar properties. This amino acid position is conserved. In addition, the in silico prediction for this alteration is inconclusive. Based on the available evidence, the clinical significance of this variant remains unclear.

Color Diagnostics, LLC DBA Color Health
Classification: Uncertain significance for Familial hypercholesterolemia. Last evaluated: 2023-11-29. Review status: criteria provided, single submitter. Criteria: ACMG Guidelines, 2015. Collection method: clinical testing. Allele origin: germline.
Comment: This missense variant replaces methionine with isoleucine at codon 126 of the PCSK9 protein. Computational prediction suggests that this variant may not impact protein structure and function. To our knowledge, functional studies have not been reported for this variant. This variant has not been reported in individuals affected with PCSK9-related disorders in the literature. This variant has been identified in 1/251394 chromosomes in the general population by the Genome Aggregation Database (gnomAD). The available evidence is insufficient to determine the role of this variant in disease conclusively. Therefore, this variant is classified as a Variant of Uncertain Significance.

Illumina Laboratory Services, Illumina
Classification: Uncertain significance for Hypercholesterolemia, autosomal dominant, 3. Last evaluated: 2018-01-15. Review status: criteria provided, single submitter. Criteria: ICSL Variant Classification Criteria 13 December 2019. Collection method: clinical testing. Allele origin: germline.

Illumina Laboratory Services, Illumina
Classification: Uncertain significance for Hypobetalipoproteinemia. Last evaluated: 2018-01-15. Review status: criteria provided, single submitter. Criteria: ICSL Variant Classification Criteria 13 December 2019. Collection method: clinical testing. Allele origin: germline.